The following is an entry in ClinVar:

NM_001458.5(FLNC):c.4255G>C (p.Val1419Leu)

Gene: FLNC (filamin C; plus strand). Cytogenetic location: 7q32.1.
Variant type: single nucleotide variant.
Coding change: c.4255G>C on transcript NM_001458.5 (MANE Select); coding-DNA position 4255, G replaced by C.
Protein change: p.Val1419Leu; replaces valine 1419 with leucine.
Molecular consequence: missense variant.
Genome position (GRCh38, 1-based): chr7:128,846,872, G>C. VCF-style: chr7-128846872-G-C. GRCh37 (hg19) VCF-style: chr7-128486926-G-C.
Other names: c.4255G>C, p.Val1419Leu (NM_001127487.2); short protein forms V1419L.
Identifiers: ClinVar variation 1739118 (VCV001739118.2), dbSNP rs1432229476, ClinGen allele CA369200875.
Genomic context (GRCh38, chr7:128,846,872, plus strand): 5'-GACAACAAGGATGGTAGCTGCACCGTGGAGTACATCCCCTTCACTCCTGGAGACTATGAC[G>C]TCAACATCACCTTCGGGGGGCGGCCCATCCCAGGTGTGCAGAGAGAGTGGTCGGGGTCTC-3'
Protein context (NP_001449.3, residues 1409-1429): YIPFTPGDYD[Val1419Leu]NITFGGRPIP

ClinVar aggregate classification (germline): Uncertain significance (1 of 4 stars; one submission).

Conditions:
Cardiovascular phenotype. Identifiers: MedGen CN230736.

Submission:

Ambry Genetics
Classification: Uncertain significance for Cardiovascular phenotype. Last evaluated: 2022-09-17. Review status: criteria provided, single submitter. Criteria: Ambry Variant Classification Scheme 2023. Collection method: clinical testing. Allele origin: germline.
Comment: The p.V1419L variant (also known as c.4255G>C), located in coding exon 24 of the FLNC gene, results from a G to C substitution at nucleotide position 4255. The valine at codon 1419 is replaced by leucine, an amino acid with highly similar properties. This amino acid position is conserved. In addition, the in silico prediction for this alteration is inconclusive. Since supporting evidence is limited at this time, the clinical significance of this alteration remains unclear.